The following is an entry in ClinVar:

ClinVar aggregate classification (germline): Uncertain significance (1 of 4 stars; one submission).

Submission:

Ambry Genetics
Classification: Uncertain significance. Last evaluated: 2025-04-04. Review status: criteria provided, single submitter. Criteria: Ambry Variant Classification Scheme 2023. Collection method: clinical testing. Allele origin: germline.
Comment: The p.P14T variant (also known as c.40C>A), located in coding exon 1 of the RNF43 gene, results from a C to A substitution at nucleotide position 40. The proline at codon 14 is replaced by threonine, an amino acid with highly similar properties. This amino acid position is conserved. In addition, the in silico prediction for this alteration is inconclusive. Based on the available evidence, the clinical significance of this variant remains unclear.

NM_017763.6(RNF43):c.40C>A (p.Pro14Thr)

Gene: RNF43 (ring finger protein 43; minus strand). Cytogenetic location: 17q22.
Variant type: single nucleotide variant.
Coding change: c.40C>A on transcript NM_017763.6 (MANE Select); coding-DNA position 40, C replaced by A.
Protein change: p.Pro14Thr; replaces proline 14 with threonine.
Molecular consequence: missense variant.
Genome position (GRCh38, 1-based): chr17:58,415,538, G>T on the plus strand (C>A on the coding strand, the complement: RNF43 is on the minus strand). VCF-style: chr17-58415538-G-T. GRCh37 (hg19) VCF-style: chr17-56492899-G-T.
Other names: c.40C>A, p.Pro14Thr (NM_001305544.3); short protein forms P14T.
Identifiers: ClinVar variation 3946843 (VCV003946843.1).